The following is an entry in ClinVar:

ClinVar aggregate classification (germline): Uncertain significance (1 of 4 stars; one submission).

Conditions:
Inborn genetic diseases. Identifiers: MedGen C0950123, MeSH D030342.

Submission:

Ambry Genetics
Classification: Uncertain significance for Inborn genetic diseases. Last evaluated: 2025-08-29. Review status: criteria provided, single submitter. Criteria: Ambry Variant Classification Scheme 2023. Collection method: clinical testing. Allele origin: germline.
Comment: The p.P391S variant (also known as c.1171C>T), located in coding exon 10 of the FANCG gene, results from a C to T substitution at nucleotide position 1171. The proline at codon 391 is replaced by serine, an amino acid with similar properties. This amino acid position is conserved. In addition, this alteration is predicted to be tolerated by in silico analysis. Based on the available evidence, the clinical significance of this variant remains unclear.

NM_004629.2(FANCG):c.1171C>T (p.Pro391Ser)

Gene: FANCG (FA complementation group G; minus strand). Cytogenetic location: 9p13.3.
Variant type: single nucleotide variant.
Coding change: c.1171C>T on transcript NM_004629.2 (MANE Select); coding-DNA position 1171, C replaced by T.
Protein change: p.Pro391Ser; replaces proline 391 with serine.
Molecular consequence: missense variant.
Genome position (GRCh38, 1-based): chr9:35,075,727, G>A on the plus strand (C>T on the coding strand, the complement: FANCG is on the minus strand). VCF-style: chr9-35075727-G-A. GRCh37 (hg19) VCF-style: chr9-35075724-G-A.
Other names: short protein forms P391S.
Identifiers: ClinVar variation 4254487 (VCV004254487.1).